The following is an entry in ClinVar:

NM_006545.5(NPRL2):c.79-57T>G

Gene: NPRL2 (NPR2 like, GATOR1 complex subunit; minus strand). Cytogenetic location: 3p21.31.
Variant type: single nucleotide variant.
Coding change: c.79-57T>G on transcript NM_006545.5 (MANE Select); 57 bases into the intron before coding-DNA position 79, T replaced by G.
Molecular consequence: intron variant.
Genome position (GRCh38, 1-based): chr3:50,350,079, A>C on the plus strand (T>G on the coding strand, the complement: NPRL2 is on the minus strand). VCF-style: chr3-50350079-A-C. GRCh37 (hg19) VCF-style: chr3-50387510-A-C.
Identifiers: ClinVar variation 1269826 (VCV001269826.4), dbSNP rs2073500, ClinGen allele CA74641305.
Genomic context (GRCh38, chr3:50,350,079, plus strand): 5'-GGACCTGGGGAGGGGAGTGGCAATGGGCCCCTCAGTGGACATCTGTACTGGGTGTAGTAC[A>C]AATGGTGACCTCCTCATGCCCCCCAAGCCCAAGTCCTCTTCTCCAGCGTTCCCCTCTCTC-3'

ClinVar aggregate classification (germline): Benign. Review status: criteria provided, multiple submitters, no conflicts (2 of 4 stars). 3 submissions from 3 submitters: Benign (3). Last evaluated 2024-07-31.

Allele frequency attached by ClinVar (database versions not stated): gnomAD exomes 0.03393; gnomAD 0.04680 and 0.05363; TOPMed 0.07188; 1000 Genomes Project 30x 0.15943; 1000 Genomes Project 0.16653.
gnomAD v4.1: 53,090 of 1,457,422 alleles (3.6%); highest among the groups gnomAD compares: East Asian, 54%; 11,225 homozygotes.

Submissions (3):

Unidad de Genómica Garrahan, Hospital de Pediatría Garrahan
Classification: Benign. Last evaluated: 2024-07-31. Review status: criteria provided, single submitter. Criteria: ACMG Guidelines, 2015. Collection method: clinical testing. Allele origin: germline. Affected: no. Observed: 42 variant alleles.
Comment: This variant is classified as Benign based on local population frequency. This variant was detected in 45% of patients studied in a panel designed for Epileptic and Developmental Encephalopathy, Progressive Myoclonus Epilepsy and Abnormal Movements and Neurodegeneration with brain iron accumulation. Number of patients: 42. Only high quality variants are reported.

GeneDx
Classification: Benign. Last evaluated: 2021-05-15. Review status: criteria provided, single submitter. Criteria: GeneDx Variant Classification Process June 2021. Collection method: clinical testing. Allele origin: germline. Affected: yes.

Breakthrough Genomics
Classification: Benign. Review status: criteria provided, single submitter. Criteria: ACMG Guidelines, 2015. Collection method: not provided. Allele origin: germline. Inheritance: Autosomal dominant inheritance. Affected: yes.